The following is an entry in ClinVar:

NM_001114753.3(ENG):c.1465_1466del (p.Gln489fs)

Genes: ENG (endoglin; minus strand), LOC102723566 (uncharacterized LOC102723566; plus strand). Cytogenetic location: 9q34.11.
Variant type: Deletion.
Coding change: c.1465_1466del on transcript NM_001114753.3 (MANE Select); coding-DNA positions 1465 to 1466, 2 bases deleted (CA; older notation c.1465_1466delCA).
Protein change: p.Gln489fs; shifts the reading frame from glutamine 489.
Molecular consequence: frameshift variant. On other transcripts: non-coding transcript variant (1).
Genome position (GRCh38, 1-based): chr9:127,818,340-127,818,341, TG deleted on the plus strand (CA on the coding strand, the reverse complement: ENG is on the minus strand). VCF-style (leftmost placement, unchanged base first): chr9-127818339-CTG-C. GRCh37 (hg19) VCF-style: chr9-130580618-CTG-C.
Other names: c.1465_1466delCA, p.Gln489Valfs (NM_000118.4); c.919_920del, p.Gln307fs (NM_001278138.2); short protein forms Q489fs, Q307fs.
Identifiers: ClinVar variation 1773227 (VCV001773227.2), dbSNP rs2539059836, ClinGen allele CA2580079665.
Genomic context (GRCh38, chr9:127,818,339, plus strand): 5'-GCCCTGGATGAGTTCCACGGTGCCTCCCTCAGGCCCCAAGTCCAGGTGGCAGCTGTCTAA[CTG>C]GAGCAGGAACTCGGAGACGGATGGGGACACTCTGACCTGCATGGGTAGGTAGGGCCACGC-3'

ClinVar aggregate classification (germline): Pathogenic (1 of 4 stars; one submission).

Conditions:
Cardiovascular phenotype. Identifiers: MedGen CN230736.

Submission:

Ambry Genetics
Classification: Pathogenic for Cardiovascular phenotype. Last evaluated: 2021-10-29. Review status: criteria provided, single submitter. Criteria: Ambry Variant Classification Scheme 2023. Collection method: clinical testing. Allele origin: germline.
Comment: The c.1465_1466delCA pathogenic mutation, located in coding exon 12 of the ENG gene, results from a deletion of two nucleotides at nucleotide positions 1465 to 1466, causing a translational frameshift with a predicted alternate stop codon (p.Q489Vfs*11). This mutation has been detected in two individuals who fulfilled clinical diagnostic criteria for hereditary hemorrhagic telangiectasia (HHT) (Nishida T et al. Am. J. Med. Genet. A, 2012 Nov;158A:2829-34). (Richards-Yutz J et al. Hum. Genet., 2010 Jul;128:61-77). This variant is considered to be rare based on population cohorts in the Genome Aggregation Database (gnomAD). In addition, this alteration is expected to result in loss of function by premature protein truncation or nonsense-mediated mRNA decay. As such, this alteration is interpreted as a disease-causing mutation.

Literature cited by the submitters: PubMed 20414677; PubMed 22991266.